The following is an entry in ClinVar:

NM_004612.4(TGFBR1):c.1342dup (p.Gln448fs)

Gene: TGFBR1 (transforming growth factor beta receptor 1; plus strand). Cytogenetic location: 9q22.33.
Variant type: Duplication.
Coding change: c.1342dup on transcript NM_004612.4 (MANE Select); coding-DNA position 1342, one base duplicated (C; older notation c.1342dupC).
Protein change: p.Gln448fs; shifts the reading frame from glutamine 448.
Molecular consequence: frameshift variant.
Genome position (GRCh38, 1-based): chr9:99,147,740, C duplicated. VCF-style (leftmost placement, unchanged base first): chr9-99147739-A-AC. GRCh37 (hg19) VCF-style: chr9-101910021-A-AC.
Other names: c.1111dup, p.Gln371fs (NM_001130916.3); c.1354dup, p.Gln452fs (NM_001306210.2); short protein forms Q452fs, Q371fs, Q448fs.
Identifiers: ClinVar variation 940148 (VCV000940148.10), dbSNP rs1827843537, ClinGen allele CA1139661074.

ClinVar aggregate classification (germline): Uncertain significance (1 of 4 stars; one submission).

Conditions:
Familial thoracic aortic aneurysm and aortic dissection (TAAD). Also called: Thoracic aortic aneurysms and dissections. Identifiers: Orphanet 91387, MedGen C4707243, MONDO:0019625.

Submission:

Labcorp Genetics (formerly Invitae), Labcorp
Classification: Uncertain significance for Familial thoracic aortic aneurysm and aortic dissection. Last evaluated: 2025-01-20. Review status: criteria provided, single submitter. Criteria: Invitae Variant Classification Sherloc (09022015). Collection method: clinical testing. Allele origin: germline.
Comment: This sequence change creates a premature translational stop signal (p.Gln448Profs*15) in the TGFBR1 gene. While this is not anticipated to result in nonsense mediated decay, it is expected to disrupt the last 56 amino acid(s) of the TGFBR1 protein. This variant is not present in population databases (gnomAD no frequency). This premature translational stop signal has been observed in individual(s) with clinical features of TGFBR1-related conditions (internal data). It has also been observed to segregate with disease in related individuals. ClinVar contains an entry for this variant (Variation ID: 940148). Experimental studies and prediction algorithms are not available or were not evaluated, and the functional significance of this variant is currently unknown. In summary, the available evidence is currently insufficient to determine the role of this variant in disease. Therefore, it has been classified as a Variant of Uncertain Significance.